The following is an entry in ClinVar:

ClinVar aggregate classification (germline): Uncertain significance. Review status: criteria provided, multiple submitters, no conflicts (2 of 4 stars). 2 submissions from 2 submitters: Uncertain significance (2). Last evaluated 2022-02-27.

Submissions (2):

Labcorp Genetics (formerly Invitae), Labcorp
Classification: Uncertain significance. Last evaluated: 2022-02-27. Review status: criteria provided, single submitter. Criteria: Invitae Variant Classification Sherloc (09022015). Collection method: clinical testing. Allele origin: germline.
Comment: In summary, the available evidence is currently insufficient to determine the role of this variant in disease. Therefore, it has been classified as a Variant of Uncertain Significance. Algorithms developed to predict the effect of missense changes on protein structure and function (SIFT, PolyPhen-2, Align-GVGD) all suggest that this variant is likely to be disruptive. This variant has not been reported in the literature in individuals affected with RINT1-related conditions. This variant is not present in population databases (gnomAD no frequency). This sequence change replaces serine, which is neutral and polar, with leucine, which is neutral and non-polar, at codon 96 of the RINT1 protein (p.Ser96Leu).

Ambry Genetics
Classification: Uncertain significance. Last evaluated: 2022-02-22. Review status: criteria provided, single submitter. Criteria: Ambry Variant Classification Scheme 2023. Collection method: clinical testing. Allele origin: germline.
Comment: The p.S96L variant (also known as c.287C>T), located in coding exon 4 of the RINT1 gene, results from a C to T substitution at nucleotide position 287. The serine at codon 96 is replaced by leucine, an amino acid with dissimilar properties. This amino acid position is conserved. In addition, this alteration is predicted to be tolerated by in silico analysis. Since supporting evidence is limited at this time, the clinical significance of this alteration remains unclear.

NM_021930.6(RINT1):c.287C>T (p.Ser96Leu)

Gene: RINT1 (RAD50 interactor 1; plus strand). Cytogenetic location: 7q22.3.
Variant type: single nucleotide variant.
Coding change: c.287C>T on transcript NM_021930.6 (MANE Select); coding-DNA position 287, C replaced by T.
Protein change: p.Ser96Leu; replaces serine 96 with leucine.
Molecular consequence: missense variant. On other transcripts: 5 prime UTR variant (3), non-coding transcript variant (1).
Genome position (GRCh38, 1-based): chr7:105,542,421, C>T. VCF-style: chr7-105542421-C-T. GRCh37 (hg19) VCF-style: chr7-105182868-C-T.
Other names: c.53C>T, p.Ser18Leu (NM_001346599.2); c.-733C>T (NM_001346600.2); c.-636C>T (NM_001346601.2); c.-256C>T (NM_001346603.2); short protein forms S18L, S96L.
Identifiers: ClinVar variation 1797153 (VCV001797153.7), dbSNP rs2485112279, ClinGen allele CA368802766.